The following is an entry in ClinVar:

ClinVar aggregate classification (germline): Uncertain significance (1 of 4 stars; one submission).

gnomAD v4.1: 1 of 1,586,438 alleles (0.000063%); highest among the groups gnomAD compares: Non-Finnish European, 0.000086%; no homozygotes.

Submission:

Labcorp Genetics (formerly Invitae), Labcorp
Classification: Uncertain significance. Last evaluated: 2025-11-02. Review status: criteria provided, single submitter. Criteria: Invitae Variant Classification Sherloc (09022015). Collection method: clinical testing. Allele origin: germline.
Comment: This sequence change replaces leucine, which is neutral and non-polar, with valine, which is neutral and non-polar, at codon 1846 of the CACNA1E protein (p.Leu1846Val). This variant is not present in population databases (gnomAD no frequency). This variant has not been reported in the literature in individuals affected with CACNA1E-related conditions. Invitae Evidence Modeling of protein sequence and biophysical properties (such as structural, functional, and spatial information, amino acid conservation, physicochemical variation, residue mobility, and thermodynamic stability) indicates that this missense variant is not expected to disrupt CACNA1E protein function with a negative predictive value of 95%. In summary, the available evidence is currently insufficient to determine the role of this variant in disease. Therefore, it has been classified as a Variant of Uncertain Significance.

NM_001205293.3(CACNA1E):c.5536C>G (p.Leu1846Val)

Gene: CACNA1E (calcium voltage-gated channel subunit alpha1 E; plus strand). Cytogenetic location: 1q25.3.
Variant type: single nucleotide variant.
Coding change: c.5536C>G on transcript NM_001205293.3 (MANE Select); coding-DNA position 5536, C replaced by G.
Protein change: p.Leu1846Val; replaces leucine 1846 with valine.
Molecular consequence: missense variant.
Genome position (GRCh38, 1-based): chr1:181,784,726, C>G. VCF-style: chr1-181784726-C-G. GRCh37 (hg19) VCF-style: chr1-181753862-C-G.
Other names: c.5536C>G, p.Leu1846Val (NM_000721.4); c.5479C>G, p.Leu1827Val (NM_001205294.2); short protein forms L1827V, L1846V.
Identifiers: ClinVar variation 4763734 (VCV004763734.1).
Genomic context (GRCh38, chr1:181,784,726, plus strand): 5'-GCAGACAGGCAGCAGCTAGACTCAGAGCTACAAAAGGAGACCCTAGCCATCTGGCCTCAC[C>G]TATCCCAGAAGATGCTGGATCTGCTTGTGCCCATGCCCAAAGGTTTGGGTCTTCTCCTGG-3'
Protein context (NP_001192222.1, residues 1836-1856): QKETLAIWPH[Leu1846Val]SQKMLDLLVP